The following is an entry in ClinVar:

NM_030958.3(SLCO5A1):c.1894G>A (p.Glu632Lys)

Gene: SLCO5A1 (solute carrier organic anion transporter family member 5A1; minus strand). Cytogenetic location: 8q13.3.
Variant type: single nucleotide variant.
Coding change: c.1894G>A on transcript NM_030958.3 (MANE Select); coding-DNA position 1894, G replaced by A.
Protein change: p.Glu632Lys; replaces glutamic acid 632 with lysine.
Molecular consequence: missense variant.
Genome position (GRCh38, 1-based): chr8:69,679,508, C>T on the plus strand (G>A on the coding strand, the complement: SLCO5A1 is on the minus strand). VCF-style: chr8-69679508-C-T. GRCh37 (hg19) VCF-style: chr8-70591743-C-T.
Other names: c.1894G>A, p.Glu632Lys (NM_001146008.2); c.1729G>A, p.Glu577Lys (NM_001146009.1); short protein forms E577K, E632K.
Identifiers: ClinVar variation 2909728 (VCV002909728.3), dbSNP rs768885466, ClinGen allele CA4776468.

ClinVar aggregate classification (germline): Uncertain significance (1 of 4 stars; one submission).

Allele frequency attached by ClinVar (database versions not stated): TOPMed 0.00002; gnomAD 0.00003.
gnomAD v4.1: 57 of 1,614,086 alleles (0.0035%); highest among the groups gnomAD compares: Non-Finnish European, 0.0048%; no homozygotes.

Submission:

Labcorp Genetics (formerly Invitae), Labcorp
Classification: Uncertain significance. Last evaluated: 2024-11-30. Review status: criteria provided, single submitter. Criteria: Invitae Variant Classification Sherloc (09022015). Collection method: clinical testing. Allele origin: germline.
Comment: This sequence change replaces glutamic acid, which is acidic and polar, with lysine, which is basic and polar, at codon 632 of the SLCO5A1 protein (p.Glu632Lys). This variant is present in population databases (rs768885466, gnomAD 0.004%). This variant has not been reported in the literature in individuals affected with SLCO5A1-related conditions. ClinVar contains an entry for this variant (Variation ID: 2909728). An algorithm developed to predict the effect of missense changes on protein structure and function (PolyPhen-2) suggests that this variant is likely to be tolerated. In summary, the available evidence is currently insufficient to determine the role of this variant in disease. Therefore, it has been classified as a Variant of Uncertain Significance.